The following is an entry in ClinVar:

NM_005228.5(EGFR):c.2726C>A (p.Thr909Asn)

Gene: EGFR (epidermal growth factor receptor; plus strand). Cytogenetic location: 7p11.2.
Variant type: single nucleotide variant.
Coding change: c.2726C>A on transcript NM_005228.5 (MANE Select); coding-DNA position 2726, C replaced by A.
Protein change: p.Thr909Asn; replaces threonine 909 with asparagine.
Molecular consequence: missense variant.
Genome position (GRCh38, 1-based): chr7:55,198,741, C>A. VCF-style: chr7-55198741-C-A. GRCh37 (hg19) VCF-style: chr7-55266434-C-A.
Other names: c.2591C>A, p.Thr864Asn (NM_001346897.2, NM_001346899.2); c.2726C>A, p.Thr909Asn (NM_001346898.2); c.2567C>A, p.Thr856Asn (NM_001346900.2); c.1925C>A, p.Thr642Asn (NM_001346941.2); short protein forms T642N, T856N, T864N, T909N.
Identifiers: ClinVar variation 2719629 (VCV002719629.3), dbSNP rs2128968664, ClinGen allele CA367581223.
Genomic context (GRCh38, chr7:55,198,741, plus strand): 5'-ATCCCACTGCCTTCTTTTCTTGCTTCATCCTCTCAGGGGTGACTGTTTGGGAGTTGATGA[C>A]CTTTGGATCCAAGCCATATGACGGAATCCCTGCCAGCGAGATCTCCTCCATCCTGGAGAA-3'
Protein context (NP_005219.2, residues 899-919): SYGVTVWELM[Thr909Asn]FGSKPYDGIP

ClinVar aggregate classification (germline): Uncertain significance (1 of 4 stars; one submission).

Conditions:
EGFR-related lung cancer (EGFR). Identifiers: MedGen CN130014.

Submission:

Labcorp Genetics (formerly Invitae), Labcorp
Classification: Uncertain significance for EGFR-related lung cancer. Last evaluated: 2023-06-20. Review status: criteria provided, single submitter. Criteria: Invitae Variant Classification Sherloc (09022015). Collection method: clinical testing. Allele origin: germline.
Comment: In summary, the available evidence is currently insufficient to determine the role of this variant in disease. Therefore, it has been classified as a Variant of Uncertain Significance. Advanced modeling of protein sequence and biophysical properties (such as structural, functional, and spatial information, amino acid conservation, physicochemical variation, residue mobility, and thermodynamic stability) has been performed at Invitae for this missense variant, however the output from this modeling did not meet the statistical confidence thresholds required to predict the impact of this variant on EGFR protein function. This variant has not been reported in the literature in individuals affected with EGFR-related conditions. This variant is not present in population databases (gnomAD no frequency). This sequence change replaces threonine, which is neutral and polar, with asparagine, which is neutral and polar, at codon 909 of the EGFR protein (p.Thr909Asn).